The following is an entry in ClinVar:

NM_001130438.3(SPTAN1):c.4239C>T (p.Ser1413=)

Gene: SPTAN1 (spectrin alpha, non-erythrocytic 1; plus strand). Cytogenetic location: 9q34.11.
Variant type: single nucleotide variant.
Coding change: c.4239C>T on transcript NM_001130438.3 (MANE Select); coding-DNA position 4239, C replaced by T.
Protein change: p.Ser1413=; no amino-acid change (serine 1413 retained).
Molecular consequence: synonymous variant.
Genome position (GRCh38, 1-based): chr9:128,607,944, C>T. VCF-style: chr9-128607944-C-T. GRCh37 (hg19) VCF-style: chr9-131370223-C-T.
Other names: c.4179C>T, p.Ser1393= (NM_001195532.2, NM_001363765.2); c.4239C>T, p.Ser1413= (NM_001363759.2, NM_003127.4).
Identifiers: ClinVar variation 365168 (VCV000365168.18), dbSNP rs150097844, ClinGen allele CA5265147.

ClinVar aggregate classification (germline): Likely benign. Review status: criteria provided, multiple submitters, no conflicts (2 of 4 stars). 4 submissions from 4 submitters: Likely benign (3). 1 of the submissions does not count toward it. Last evaluated 2025-10-24.

Conditions:
Inborn genetic diseases. Identifiers: MedGen C0950123, MeSH D030342.
Early-infantile DEE. Also called: Early infantile epileptic encephalopathy; Ohtahara syndrome; Early infantile epileptic encephalopathy with suppression bursts. Identifiers: Orphanet 1934, MedGen C0393706, MONDO:0800491.
SPTAN1-related disorder. Also called: SPTAN1-related condition; SPTAN1-related disorders.

Allele frequency attached by ClinVar (database versions not stated): gnomAD exomes 0.00001 and 0.00004; ExAC 0.00006; gnomAD 0.00014 and 0.00015; TOPMed 0.00014; ESP Exome Variant Server 0.00023; 1000 Genomes Project 30x 0.00031; 1000 Genomes Project 0.00040.
gnomAD v4.1: 38 of 1,614,062 alleles (0.0024%); highest among the groups gnomAD compares: African/African-American, 0.051%; no homozygotes.

Submissions (4):

Labcorp Genetics (formerly Invitae), Labcorp
Classification: Likely benign for Early-infantile DEE. Last evaluated: 2025-10-24. Review status: criteria provided, single submitter. Criteria: Invitae Variant Classification Sherloc (09022015). Collection method: clinical testing. Allele origin: germline.

GeneDx
Classification: Likely benign. Last evaluated: 2020-12-22. Review status: criteria provided, single submitter. Criteria: GeneDx Variant Classification Process June 2021. Collection method: clinical testing. Allele origin: germline. Affected: yes.

Ambry Genetics
Classification: Likely benign for Inborn genetic diseases. Last evaluated: 2018-05-15. Review status: criteria provided, single submitter. Criteria: Ambry Variant Classification Scheme 2023. Collection method: clinical testing. Allele origin: germline.

PreventionGenetics, part of Exact Sciences
Classification: Likely benign for SPTAN1-related condition. Last evaluated: 2019-08-28. Review status: no assertion criteria provided. Collection method: clinical testing. Allele origin: germline. Not counted in ClinVar's aggregate classification.
Comment: This variant is classified as likely benign based on ACMG/AMP sequence variant interpretation guidelines (Richards et al. 2015 PMID: 25741868, with internal and published modifications).